The following is an entry in ClinVar:

ClinVar aggregate classification (germline): Pathogenic (1 of 4 stars; one submission).

Submission:

ISCA site 4
Classification: Pathogenic. Last evaluated: 2011-08-12. Review status: criteria provided, single submitter. Criteria: Kaminsky et al. (Genet Med. 2011). Collection method: clinical testing. Allele origin: unknown. Affected: yes. Observed: 1 variant allele.
Comment: Copy number variation identified through the course of routine clinical cytogenomic testing in postnatal populations. Clinical assertions have been curated as described in Kaminsky et al. 2011.

GRCh38/hg38 15q11.2-13.1(chr15:23319714-28275167)x1

Genes: GOLGA6L2 (golgin A6 family like 2; minus strand), ATP10A (ATPase phospholipid transporting 10A (putative); minus strand), ATP10A-DT (ATP10A divergent transcript; plus strand), GABRA5 (gamma-aminobutyric acid type A receptor subunit alpha5; plus strand), GABRB3 (gamma-aminobutyric acid type A receptor subunit beta3; minus strand) and 140 more. Cytogenetic location: 15q11.2-13.1.
Variant type: copy number loss.
Change: copy number 1 (one copy instead of two) of chr15:23,319,714-28,275,167 (4.96 Mb, GRCh38 coordinates, 1-based), cytogenetic band 15q11.2-13.1.
Identifiers: ClinVar variation 160970 (VCV000160970.1).